The following is an entry in ClinVar:

NM_015978.3(TNNI3K):c.1696A>C (p.Ile566Leu)

Genes: FPGT-TNNI3K (FPGT-TNNI3K readthrough; plus strand), TNNI3K (TNNI3 interacting kinase; plus strand). Cytogenetic location: 1p31.1.
Variant type: single nucleotide variant.
Coding change: c.1696A>C on transcript NM_015978.3 (MANE Select); coding-DNA position 1696, A replaced by C.
Protein change: p.Ile566Leu; replaces isoleucine 566 with leucine.
Molecular consequence: missense variant.
Genome position (GRCh38, 1-based): chr1:74,370,316, A>C. VCF-style: chr1-74370316-A-C. GRCh37 (hg19) VCF-style: chr1-74836000-A-C.
Other names: c.1999A>C, p.Ile667Leu (NM_001112808.3, NM_001199327.2); short protein forms I566L, I667L.
Identifiers: ClinVar variation 4797783 (VCV004797783.1).

ClinVar aggregate classification (germline): Uncertain significance (1 of 4 stars; one submission).

Submission:

Labcorp Genetics (formerly Invitae), Labcorp
Classification: Uncertain significance. Last evaluated: 2025-05-12. Review status: criteria provided, single submitter. Criteria: Invitae Variant Classification Sherloc (09022015). Collection method: clinical testing. Allele origin: germline.
Comment: This sequence change replaces isoleucine, which is neutral and non-polar, with leucine, which is neutral and non-polar, at codon 566 of the TNNI3K protein (p.Ile566Leu). This variant is not present in population databases (gnomAD no frequency). This variant has not been reported in the literature in individuals affected with TNNI3K-related conditions. Invitae Evidence Modeling of protein sequence and biophysical properties (such as structural, functional, and spatial information, amino acid conservation, physicochemical variation, residue mobility, and thermodynamic stability) indicates that this missense variant is not expected to disrupt TNNI3K protein function with a negative predictive value of 80%. In summary, the available evidence is currently insufficient to determine the role of this variant in disease. Therefore, it has been classified as a Variant of Uncertain Significance.